The following is an entry in ClinVar:

ClinVar aggregate classification (germline): Uncertain significance. Review status: criteria provided, multiple submitters, no conflicts (2 of 4 stars). 2 submissions from 2 submitters: Uncertain significance (2). Last evaluated 2025-07-30.

Conditions:
Inborn genetic diseases. Identifiers: MedGen C0950123, MeSH D030342.

Submissions (2):

GeneDx
Classification: Uncertain significance. Last evaluated: 2025-07-30. Review status: criteria provided, single submitter. Criteria: GeneDx Variant Classification Process June 2021. Collection method: clinical testing. Allele origin: germline. Affected: yes.
Comment: Not observed at significant frequency in large population cohorts (gnomAD); In silico analysis suggests that this missense variant does not alter protein structure/function; Has not been previously published as pathogenic or benign to our knowledge; This variant is associated with the following publications: (PMID: 28555414, 28637624)

Ambry Genetics
Classification: Uncertain significance for Inborn genetic diseases. Last evaluated: 2023-04-13. Review status: criteria provided, single submitter. Criteria: Ambry Variant Classification Scheme 2023. Collection method: clinical testing. Allele origin: germline.

NM_001987.5(ETV6):c.740C>G (p.Ala247Gly)

Gene: ETV6 (ETS variant transcription factor 6; plus strand). Cytogenetic location: 12p13.2.
Variant type: single nucleotide variant.
Coding change: c.740C>G on transcript NM_001987.5 (MANE Select); coding-DNA position 740, C replaced by G.
Protein change: p.Ala247Gly; replaces alanine 247 with glycine.
Molecular consequence: missense variant.
Genome position (GRCh38, 1-based): chr12:11,869,700, C>G. VCF-style: chr12-11869700-C-G. GRCh37 (hg19) VCF-style: chr12-12022634-C-G.
Other names: short protein forms A247G.
Identifiers: ClinVar variation 1703890 (VCV001703890.5), dbSNP rs144782370, ClinGen allele CA384043861.